The following is an entry in ClinVar:

ClinVar aggregate classification (germline): Likely benign (1 of 4 stars; one submission).

Allele frequency attached by ClinVar (database versions not stated): ExAC 0.00179; 1000 Genomes Project 30x 0.00281.

Submission:

CeGaT Center for Human Genetics Tuebingen
Classification: Likely benign. Last evaluated: 2024-05-01. Review status: criteria provided, single submitter. Criteria: CeGaT Center For Human Genetics Tuebingen Variant Classification Criteria Version 2. Collection method: clinical testing. Allele origin: germline. Affected: yes. Observed: 2 variant alleles.
Comment: CTAGE6: PP2, BP4, BS2

NM_178561.5(CTAGE6):c.1570G>T (p.Ala524Ser)

Gene: CTAGE6 (CTAGE family member 6; minus strand). Cytogenetic location: 7q35.
Variant type: single nucleotide variant.
Coding change: c.1570G>T on transcript NM_178561.5 (MANE Select); coding-DNA position 1570, G replaced by T.
Protein change: p.Ala524Ser; replaces alanine 524 with serine.
Molecular consequence: missense variant.
Genome position (GRCh38, 1-based): chr7:143,756,089, C>A on the plus strand (G>T on the coding strand, the complement: CTAGE6 is on the minus strand). VCF-style: chr7-143756089-C-A. GRCh37 (hg19) VCF-style: chr7-143453182-C-A.
Other names: short protein forms A524S.
Identifiers: ClinVar variation 2658120 (VCV002658120.24), dbSNP rs764189306, ClinGen allele CA4540625.